The following is an entry in ClinVar:

NM_198253.3(TERT):c.1319A>G (p.Glu440Gly)

Gene: TERT (telomerase reverse transcriptase; minus strand). Cytogenetic location: 5p15.33.
Variant type: single nucleotide variant.
Coding change: c.1319A>G on transcript NM_198253.3 (MANE Select); coding-DNA position 1319, A replaced by G.
Protein change: p.Glu440Gly; replaces glutamic acid 440 with glycine.
Molecular consequence: missense variant. On other transcripts: non-coding transcript variant (2).
Genome position (GRCh38, 1-based): chr5:1,293,567, T>C on the plus strand (A>G on the coding strand, the complement: TERT is on the minus strand). VCF-style: chr5-1293567-T-C. GRCh37 (hg19) VCF-style: chr5-1293682-T-C.
Other names: c.1319A>G, p.Glu440Gly (NM_001193376.3, NM_003219.1); short protein forms E440G.
Identifiers: ClinVar variation 1956475 (VCV001956475.6), dbSNP rs2478411582, ClinGen allele CA359086222.

ClinVar aggregate classification (germline): Uncertain significance. Review status: criteria provided, multiple submitters, no conflicts (2 of 4 stars). 2 submissions from 2 submitters: Uncertain significance (2). Last evaluated 2025-01-22.

Conditions:
Dyskeratosis congenita, autosomal dominant 2. Identifiers: MedGen C3151443, MONDO:0013521, OMIM 613989.
Idiopathic Pulmonary Fibrosis. Also called: Idiopathic fibrosing alveolitis, chronic form; idiopathic fibrosing alveolitis. Identifiers: Orphanet 2032, MedGen C1800706, MeSH D054990, MONDO:0800504.
Dyskeratosis congenita. Identifiers: Orphanet 1775, MedGen C0265965, MONDO:0015780.

Submissions (2):

Ambry Genetics
Classification: Uncertain significance for Dyskeratosis congenita. Last evaluated: 2025-01-22. Review status: criteria provided, single submitter. Criteria: Ambry Variant Classification Scheme 2023. Collection method: clinical testing. Allele origin: germline.
Comment: The p.E440G variant (also known as c.1319A>G), located in coding exon 2 of the TERT gene, results from an A to G substitution at nucleotide position 1319. The glutamic acid at codon 440 is replaced by glycine, an amino acid with similar properties. This amino acid position is conserved. In addition, the in silico prediction for this alteration is inconclusive. Based on the available evidence, the clinical significance of this variant remains unclear.

Labcorp Genetics (formerly Invitae), Labcorp
Classification: Uncertain significance for Dyskeratosis congenita, autosomal dominant 2; Idiopathic Pulmonary Fibrosis. Last evaluated: 2023-04-24. Review status: criteria provided, single submitter. Criteria: Invitae Variant Classification Sherloc (09022015). Collection method: clinical testing. Allele origin: germline.
Comment: Advanced modeling of protein sequence and biophysical properties (such as structural, functional, and spatial information, amino acid conservation, physicochemical variation, residue mobility, and thermodynamic stability) performed at Invitae indicates that this missense variant is not expected to disrupt TERT protein function. In summary, the available evidence is currently insufficient to determine the role of this variant in disease. Therefore, it has been classified as a Variant of Uncertain Significance. ClinVar contains an entry for this variant (Variation ID: 1956475). This variant has not been reported in the literature in individuals affected with TERT-related conditions. This variant is not present in population databases (gnomAD no frequency). This sequence change replaces glutamic acid, which is acidic and polar, with glycine, which is neutral and non-polar, at codon 440 of the TERT protein (p.Glu440Gly).